The following is an entry in ClinVar:

ClinVar aggregate classification (germline): Uncertain significance (1 of 4 stars; one submission).

Conditions:
Cardiovascular phenotype. Identifiers: MedGen CN230736.

Allele frequency attached by ClinVar (database versions not stated): gnomAD exomes below 0.00001; TOPMed below 0.00001.
gnomAD v4.1: 2 of 1,547,540 alleles (0.00013%); highest among the groups gnomAD compares: Non-Finnish European, 0.000087%; no homozygotes.

Submission:

Ambry Genetics
Classification: Uncertain significance for Cardiovascular phenotype. Last evaluated: 2023-05-27. Review status: criteria provided, single submitter. Criteria: Ambry Variant Classification Scheme 2023. Collection method: clinical testing. Allele origin: germline.
Comment: The p.G2876D variant (also known as c.8627G>A), located in coding exon 2 of the ZNF469 gene, results from a G to A substitution at nucleotide position 8627. The glycine at codon 2876 is replaced by aspartic acid, an amino acid with similar properties. This amino acid position is conserved. In addition, this alteration is predicted to be tolerated by in silico analysis. Since supporting evidence is limited at this time, the clinical significance of this alteration remains unclear.

NM_001367624.2(ZNF469):c.8711G>A (p.Gly2904Asp)

Gene: ZNF469 (zinc finger protein 469; plus strand). Cytogenetic location: 16q24.2.
Variant type: single nucleotide variant.
Coding change: c.8711G>A on transcript NM_001367624.2 (MANE Select); coding-DNA position 8711, G replaced by A.
Protein change: p.Gly2904Asp; replaces glycine 2904 with aspartic acid.
Molecular consequence: missense variant.
Genome position (GRCh38, 1-based): chr16:88,436,181, G>A. VCF-style: chr16-88436181-G-A. GRCh37 (hg19) VCF-style: chr16-88502589-G-A.
Other names: NM_001127464.1:c.8627G>A; short protein forms G2904D.
Identifiers: ClinVar variation 2564266 (VCV002564266.2), dbSNP rs1421497783, ClinGen allele CA397119260.